The following is an entry in ClinVar:

NM_015015.3(KDM4B):c.495C>T (p.Cys165=)

Gene: KDM4B (lysine demethylase 4B; plus strand). Cytogenetic location: 19p13.3.
Variant type: single nucleotide variant.
Coding change: c.495C>T on transcript NM_015015.3 (MANE Select); coding-DNA position 495, C replaced by T.
Protein change: p.Cys165=; no amino-acid change (cysteine 165 retained).
Molecular consequence: synonymous variant.
Genome position (GRCh38, 1-based): chr19:5,047,538, C>T. VCF-style: chr19-5047538-C-T. GRCh37 (hg19) VCF-style: chr19-5047549-C-T.
Other names: c.495C>T, p.Cys165= (NM_001370093.1, NM_001370094.1).
Identifiers: ClinVar variation 777489 (VCV000777489.38), dbSNP rs142693998, ClinGen allele CA9107368.

ClinVar aggregate classification (germline): Benign/Likely benign. Review status: criteria provided, multiple submitters, no conflicts (2 of 4 stars). 3 submissions from 3 submitters: Benign (1); Likely benign (2). Last evaluated 2025-12-01.

Allele frequency attached by ClinVar (database versions not stated): 1000 Genomes Project 30x 0.00062; 1000 Genomes Project 0.00080; ExAC 0.00091; ESP Exome Variant Server 0.00092; gnomAD exomes 0.00096; gnomAD 0.00101 and 0.00108; TOPMed 0.00103.
gnomAD v4.1: 917 of 1,613,782 alleles (0.057%); highest among the groups gnomAD compares: African/African-American, 0.17%; 5 homozygotes.

Submissions (3):

CeGaT Center for Human Genetics Tuebingen
Classification: Likely benign. Last evaluated: 2025-12-01. Review status: criteria provided, single submitter. Criteria: CeGaT Center For Human Genetics Tuebingen Variant Classification Criteria Version 2. Collection method: clinical testing. Allele origin: germline. Affected: yes. Observed: 3 variant alleles.
Comment: KDM4B: BP4, BP7

Blueprint Genetics
Classification: Likely benign. Last evaluated: 2024-11-05. Review status: criteria provided, single submitter. Criteria: ACMG Guidelines, 2015. Collection method: clinical testing. Allele origin: germline.

Labcorp Genetics (formerly Invitae), Labcorp
Classification: Benign. Last evaluated: 2018-07-26. Review status: criteria provided, single submitter. Criteria: Invitae Variant Classification Sherloc (09022015). Collection method: clinical testing. Allele origin: germline.